The following is an entry in ClinVar:

NM_001235.5(SERPINH1):c.227C>T (p.Ser76Leu)

Gene: SERPINH1 (serpin family H member 1; plus strand). Cytogenetic location: 11q13.5.
Variant type: single nucleotide variant.
Coding change: c.227C>T on transcript NM_001235.5 (MANE Select); coding-DNA position 227, C replaced by T.
Protein change: p.Ser76Leu; replaces serine 76 with leucine.
Molecular consequence: missense variant.
Genome position (GRCh38, 1-based): chr11:75,566,576, C>T. VCF-style: chr11-75566576-C-T. GRCh37 (hg19) VCF-style: chr11-75277621-C-T.
Other names: c.227C>T, p.Ser76Leu (NM_001207014.3); c.227C>T (NM_001235.3); short protein forms S76L.
Identifiers: ClinVar variation 2066996 (VCV002066996.6), dbSNP rs376824871, ClinGen allele CA6190759.

ClinVar aggregate classification (germline): Conflicting classifications of pathogenicity. Review status: criteria provided, conflicting classifications (1 of 4 stars). 3 submissions from 3 submitters: Uncertain significance (2); Likely benign (1). Last evaluated 2025-11-01.

Conditions:
Inborn genetic diseases. Identifiers: MedGen C0950123, MeSH D030342.

Allele frequency attached by ClinVar (database versions not stated): TOPMed 0.00005; ESP Exome Variant Server 0.00008; gnomAD 0.00009.
gnomAD v4.1: 73 of 1,609,936 alleles (0.0045%); highest among the groups gnomAD compares: Admixed American, 0.048%; no homozygotes.

Submissions (3):

Labcorp Genetics (formerly Invitae), Labcorp
Classification: Likely benign. Last evaluated: 2025-11-01. Review status: criteria provided, single submitter. Criteria: Invitae Variant Classification Sherloc (09022015). Collection method: clinical testing. Allele origin: germline.

Ambry Genetics
Classification: Uncertain significance for Inborn genetic diseases. Last evaluated: 2024-09-11. Review status: criteria provided, single submitter. Criteria: Ambry Variant Classification Scheme 2023. Collection method: clinical testing. Allele origin: germline.

GeneDx
Classification: Uncertain significance. Last evaluated: 2024-08-10. Review status: criteria provided, single submitter. Criteria: GeneDx Variant Classification Process June 2021. Collection method: clinical testing. Allele origin: germline. Affected: yes.
Comment: In silico analysis supports that this missense variant has a deleterious effect on protein structure/function; Has not been previously published as pathogenic or benign to our knowledge; This variant is associated with the following publications: (PMID: 30986427)